The following is an entry in ClinVar:

ClinVar aggregate classification (germline): Uncertain significance (1 of 4 stars; one submission).

Conditions:
Neuronal ceroid lipofuscinosis 7 (CLN7). Also called: MFSD8-Related Neuronal Ceroid-Lipofuscinosis. Identifiers: Orphanet 168491, Orphanet 228366, MedGen C1838571, MONDO:0012588, OMIM 610951.

Allele frequency attached by ClinVar (database versions not stated): gnomAD 0.00001.
gnomAD v4.1: 1 of 1,613,932 alleles (0.000062%); highest among the groups gnomAD compares: Admixed American, 0.0017%; no homozygotes.

Submission:

Labcorp Genetics (formerly Invitae), Labcorp
Classification: Uncertain significance for Neuronal ceroid lipofuscinosis 7. Last evaluated: 2022-08-15. Review status: criteria provided, single submitter. Criteria: Invitae Variant Classification Sherloc (09022015). Collection method: clinical testing. Allele origin: germline.
Comment: Algorithms developed to predict the effect of sequence changes on RNA splicing suggest that this variant may disrupt the consensus splice site. In summary, the available evidence is currently insufficient to determine the role of this variant in disease. Therefore, it has been classified as a Variant of Uncertain Significance. This variant has not been reported in the literature in individuals affected with MFSD8-related conditions. This variant is not present in population databases (gnomAD no frequency). This sequence change affects codon 173 of the MFSD8 mRNA. It is a 'silent' change, meaning that it does not change the encoded amino acid sequence of the MFSD8 protein.

NM_001371596.2(MFSD8):c.519C>T (p.Ser173=)

Gene: MFSD8 (major facilitator superfamily domain containing 8; minus strand). Cytogenetic location: 4q28.2.
Variant type: single nucleotide variant.
Coding change: c.519C>T on transcript NM_001371596.2 (MANE Select); coding-DNA position 519, C replaced by T.
Protein change: p.Ser173=; no amino-acid change (serine 173 retained).
Molecular consequence: synonymous variant. On other transcripts: intron variant (4).
Genome position (GRCh38, 1-based): chr4:127,942,079, G>A on the plus strand (C>T on the coding strand, the complement: MFSD8 is on the minus strand). VCF-style: chr4-127942079-G-A. GRCh37 (hg19) VCF-style: chr4-128863234-G-A.
Other names: c.519C>T, p.Ser173= (NM_001363520.3, NM_001371591.2, NM_001371592.2 and 2 more transcripts); c.384C>T, p.Ser128= (NM_001371590.2, NM_001371595.1); c.304+1673C>T (NM_001410765.1); c.439+1673C>T (NM_001363521.3, NM_001410766.1, NM_001371593.2).
Identifiers: ClinVar variation 2023680 (VCV002023680.4), dbSNP rs1274146586, ClinGen allele CA441215298.
Genomic context (GRCh38, chr4:127,942,079, plus strand): 5'-AGTAATGACATGTGAAGAACACCTACCTGGACCTAGAATAAAACCTAATGCTTGACACAT[G>A]CTTATGTTTGCCATGGAACTTGTTCTTTCCTGAAGGGAAGTAGCACCAGCAGTATATGAT-3'
Protein context (NP_001358525.1, residues 163-183): QERTSSMANI[Ser173=]MCQALGFILG